The following is an entry in ClinVar:

NM_032119.4(ADGRV1):c.14534del (p.Gly4845fs)

Gene: ADGRV1 (adhesion G protein-coupled receptor V1; plus strand). Cytogenetic location: 5q14.3.
Variant type: Deletion.
Coding change: c.14534del on transcript NM_032119.4 (MANE Select); coding-DNA position 14534, one base deleted (G; older notation c.14534delG).
Protein change: p.Gly4845fs; shifts the reading frame from glycine 4845.
Molecular consequence: frameshift variant. On other transcripts: non-coding transcript variant (1).
Genome position (GRCh38, 1-based): chr5:90,802,755, G deleted; the last of 3 consecutive G bases (chr5:90,802,753-90,802,755); deleting any one gives the same sequence. VCF-style (leftmost placement, unchanged base first): chr5-90802752-TG-T. GRCh37 (hg19) VCF-style: chr5-90098569-TG-T.
Other names: short protein forms G4845fs.
Identifiers: ClinVar variation 2844421 (VCV002844421.3), dbSNP rs2532113899, ClinGen allele CA2739274902.

ClinVar aggregate classification (germline): Pathogenic (1 of 4 stars; one submission).

Submission:

Labcorp Genetics (formerly Invitae), Labcorp
Classification: Pathogenic. Last evaluated: 2023-03-09. Review status: criteria provided, single submitter. Criteria: Invitae Variant Classification Sherloc (09022015). Collection method: clinical testing. Allele origin: germline.
Comment: This variant has not been reported in the literature in individuals affected with ADGRV1-related conditions. This sequence change creates a premature translational stop signal (p.Gly4845Alafs*9) in the ADGRV1 gene. It is expected to result in an absent or disrupted protein product. Loss-of-function variants in ADGRV1 are known to be pathogenic (PMID: 19357117, 22135276, 22147658, 26226137, 30718709, 31047384, 32467589). This variant is not present in population databases (gnomAD no frequency). For these reasons, this variant has been classified as Pathogenic.

Literature cited by the submitters: PubMed 19357117; PubMed 22135276; PubMed 22147658; PubMed 26226137; PubMed 30718709; PubMed 31047384; PubMed 32467589.